The following is an entry in ClinVar:

NM_016038.4(SBDS):c.148G>C (p.Val50Leu)

Gene: SBDS (SBDS ribosome maturation factor; minus strand). Cytogenetic location: 7q11.21.
Variant type: single nucleotide variant.
Coding change: c.148G>C on transcript NM_016038.4 (MANE Select); coding-DNA position 148, G replaced by C.
Protein change: p.Val50Leu; replaces valine 50 with leucine.
Molecular consequence: missense variant.
Genome position (GRCh38, 1-based): chr7:66,994,322, C>G on the plus strand (G>C on the coding strand, the complement: SBDS is on the minus strand). VCF-style: chr7-66994322-C-G. GRCh37 (hg19) VCF-style: chr7-66459309-C-G.
Other names: short protein forms V50L.
Identifiers: ClinVar variation 3950327 (VCV003950327.1).

ClinVar aggregate classification (germline): Uncertain significance (1 of 4 stars; one submission).

Conditions:
Inborn genetic diseases. Identifiers: MedGen C0950123, MeSH D030342.

Submission:

Ambry Genetics
Classification: Uncertain significance for Inborn genetic diseases. Last evaluated: 2025-05-18. Review status: criteria provided, single submitter. Criteria: Ambry Variant Classification Scheme 2023. Collection method: clinical testing. Allele origin: germline.
Comment: The p.V50L variant (also known as c.148G>C), located in coding exon 2 of the SBDS gene, results from a G to C substitution at nucleotide position 148. The valine at codon 50 is replaced by leucine, an amino acid with highly similar properties. This amino acid position is conserved. In addition, this alteration is predicted to be deleterious by in silico analysis. Based on the available evidence, the clinical significance of this variant remains unclear.